The following is an entry in ClinVar:

NM_002907.4(RECQL):c.1385T>C (p.Phe462Ser)

Gene: RECQL (RecQ like helicase; minus strand). Cytogenetic location: 12p12.1.
Variant type: single nucleotide variant.
Coding change: c.1385T>C on transcript NM_002907.4 (MANE Select); coding-DNA position 1385, T replaced by C.
Protein change: p.Phe462Ser; replaces phenylalanine 462 with serine.
Molecular consequence: missense variant.
Genome position (GRCh38, 1-based): chr12:21,473,613, A>G on the plus strand (T>C on the coding strand, the complement: RECQL is on the minus strand). VCF-style: chr12-21473613-A-G. GRCh37 (hg19) VCF-style: chr12-21626547-A-G.
Other names: c.1385T>C, p.Phe462Ser (NM_032941.3); short protein forms F462S.
Identifiers: ClinVar variation 3944223 (VCV003944223.1).

ClinVar aggregate classification (germline): Uncertain significance (1 of 4 stars; one submission).

Submission:

Ambry Genetics
Classification: Uncertain significance. Last evaluated: 2025-05-28. Review status: criteria provided, single submitter. Criteria: Ambry Variant Classification Scheme 2023. Collection method: clinical testing. Allele origin: germline.
Comment: The p.F462S variant (also known as c.1385T>C), located in coding exon 11 of the RECQL gene, results from a T to C substitution at nucleotide position 1385. The phenylalanine at codon 462 is replaced by serine, an amino acid with highly dissimilar properties. This amino acid position is conserved. In addition, this alteration is predicted to be deleterious by in silico analysis. Based on the available evidence, the clinical significance of this variant remains unclear.